The following is an entry in ClinVar:

NM_138420.4(AHNAK2):c.4065A>G (p.Ala1355=)

Gene: AHNAK2 (AHNAK nucleoprotein 2; minus strand). Cytogenetic location: 14q32.33.
Variant type: single nucleotide variant.
Coding change: c.4065A>G on transcript NM_138420.4 (MANE Select); coding-DNA position 4065, A replaced by G.
Protein change: p.Ala1355=; no amino-acid change (alanine 1355 retained).
Molecular consequence: synonymous variant.
Genome position (GRCh38, 1-based): chr14:104,951,386, T>C on the plus strand (A>G on the coding strand, the complement: AHNAK2 is on the minus strand). VCF-style: chr14-104951386-T-C. GRCh37 (hg19) VCF-style: chr14-105417723-T-C.
Other names: c.3765A>G, p.Ala1255= (NM_001350929.2).
Identifiers: ClinVar variation 2644836 (VCV002644836.24), dbSNP rs769502551, ClinGen allele CA7382657.
Genomic context (GRCh38, chr14:104,951,386, plus strand): 5'-GTCAGTGGTCTTGAGGTCCCCCTGCATGGAGGGGAGGCTCATGTCGGCCTCCACCTTGGG[T>C]GCAGACAGGTCCACGGAGGCCTCAATGGACTTGCCTGGGGCAGACACCCCGAACGACGGC-3'
Protein context (NP_612429.2, residues 1345-1365): KSIEASVDLS[Ala1355=]PKVEADMSLP

ClinVar aggregate classification (germline): Likely benign (1 of 4 stars; one submission).

Allele frequency attached by ClinVar (database versions not stated): 1000 Genomes Project 30x 0.00016; gnomAD exomes 0.00021; ExAC 0.00074.

Submission:

CeGaT Center for Human Genetics Tuebingen
Classification: Likely benign. Last evaluated: 2023-07-01. Review status: criteria provided, single submitter. Criteria: CeGaT Center For Human Genetics Tuebingen Variant Classification Criteria Version 2. Collection method: clinical testing. Allele origin: germline. Affected: yes. Observed: 1 variant allele.
Comment: AHNAK2: BP4, BP7, BS2